The following is an entry in ClinVar:

ClinVar aggregate classification (germline): Uncertain significance (1 of 4 stars; one submission).

Conditions:
Spondylocostal dysostosis 3, autosomal recessive (SCDO3). Also called: LFNG-Related Spondylocostal Dysostosis, Autosomal Recessive. Identifiers: Orphanet 2311, MedGen C1853296, MONDO:0012349, OMIM 609813.

Submission:

Labcorp Genetics (formerly Invitae), Labcorp
Classification: Uncertain significance for Spondylocostal dysostosis 3, autosomal recessive. Last evaluated: 2021-04-10. Review status: criteria provided, single submitter. Criteria: Invitae Variant Classification Sherloc (09022015). Collection method: clinical testing. Allele origin: germline.
Comment: In summary, the available evidence is currently insufficient to determine the role of this variant in disease. Therefore, it has been classified as a Variant of Uncertain Significance. Algorithms developed to predict the effect of missense changes on protein structure and function are either unavailable or do not agree on the potential impact of this missense change (SIFT: "Deleterious"; PolyPhen-2: "Benign"; Align-GVGD: "Class C0"). This variant has not been reported in the literature in individuals with LFNG-related conditions. This variant is not present in population databases (ExAC no frequency). This sequence change replaces isoleucine with threonine at codon 189 of the LFNG protein (p.Ile189Thr). The isoleucine residue is highly conserved and there is a moderate physicochemical difference between isoleucine and threonine.

NM_001040167.2(LFNG):c.566T>C (p.Ile189Thr)

Gene: LFNG (LFNG O-fucosylpeptide 3-beta-N-acetylglucosaminyltransferase; plus strand). Cytogenetic location: 7p22.3.
Variant type: single nucleotide variant.
Coding change: c.566T>C on transcript NM_001040167.2 (MANE Select); coding-DNA position 566, T replaced by C.
Protein change: p.Ile189Thr; replaces isoleucine 189 with threonine.
Molecular consequence: missense variant.
Genome position (GRCh38, 1-based): chr7:2,525,303, T>C. VCF-style: chr7-2525303-T-C. GRCh37 (hg19) VCF-style: chr7-2564937-T-C.
Other names: c.566T>C, p.Ile189Thr (NM_001040168.2); c.353T>C, p.Ile118Thr (NM_001166355.2); c.179T>C, p.Ile60Thr (NM_002304.3); short protein forms I189T, I60T, I118T.
Identifiers: ClinVar variation 1359241 (VCV001359241.8), dbSNP rs984175416, ClinGen allele CA152649879.
Genomic context (GRCh38, chr7:2,525,303, plus strand): 5'-CGGCCGCCCACAGCCGCCAGGCGCTGTCCTGCAAGATGGCCGTGGAGTATGACCGCTTCA[T>C]CGAGTCCGGCAGGAAGTGAGTGTGGCCCCGGGGGACCCCCATCTCCCTGCCCGAGCCTGG-3'
Protein context (NP_001035257.1, residues 179-199): CKMAVEYDRF[Ile189Thr]ESGRKWFCHV